The following is an entry in ClinVar:

ClinVar aggregate classification (germline): Uncertain significance. Review status: criteria provided, multiple submitters, no conflicts (2 of 4 stars). 2 submissions from 2 submitters: Uncertain significance (2). Last evaluated 2022-08-07.

Conditions:
Inborn genetic diseases. Identifiers: MedGen C0950123, MeSH D030342.
Myasthenic syndrome, congenital, 22 (CMS22). Also called: PREPL DEFICIENCY. Identifiers: MedGen C4479088, MONDO:0044299, OMIM 616224.

Allele frequency attached by ClinVar (database versions not stated): TOPMed below 0.00001; gnomAD 0.00001; gnomAD exomes 0.00001.
gnomAD v4.1: 15 of 1,613,888 alleles (0.00093%); highest among the groups gnomAD compares: Middle Eastern, 0.016%; no homozygotes.

Submissions (2):

Labcorp Genetics (formerly Invitae), Labcorp
Classification: Uncertain significance for Myasthenic syndrome, congenital, 22. Last evaluated: 2022-08-07. Review status: criteria provided, single submitter. Criteria: Invitae Variant Classification Sherloc (09022015). Collection method: clinical testing. Allele origin: germline.
Comment: This sequence change replaces glycine, which is neutral and non-polar, with glutamic acid, which is acidic and polar, at codon 652 of the PREPL protein (p.Gly652Glu). The frequency data for this variant in the population databases is considered unreliable, as metrics indicate poor data quality at this position in the gnomAD database. This variant has not been reported in the literature in individuals affected with PREPL-related conditions. Algorithms developed to predict the effect of missense changes on protein structure and function are either unavailable or do not agree on the potential impact of this missense change (SIFT: "Deleterious"; PolyPhen-2: "Possibly Damaging"; Align-GVGD: "Class C0"). In summary, the available evidence is currently insufficient to determine the role of this variant in disease. Therefore, it has been classified as a Variant of Uncertain Significance.

Ambry Genetics
Classification: Uncertain significance for Inborn genetic diseases. Last evaluated: 2022-01-26. Review status: criteria provided, single submitter. Criteria: Ambry Variant Classification Scheme 2023. Collection method: clinical testing. Allele origin: germline.

NM_001171613.2(PREPL):c.1688G>A (p.Gly563Glu)

Gene: PREPL (prolyl endopeptidase like; minus strand). Cytogenetic location: 2p21.
Variant type: single nucleotide variant.
Coding change: c.1688G>A on transcript NM_001171613.2 (MANE Select); coding-DNA position 1688, G replaced by A.
Protein change: p.Gly563Glu; replaces glycine 563 with glutamic acid.
Molecular consequence: missense variant.
Genome position (GRCh38, 1-based): chr2:44,322,796, C>T on the plus strand (G>A on the coding strand, the complement: PREPL is on the minus strand). VCF-style: chr2-44322796-C-T. GRCh37 (hg19) VCF-style: chr2-44549935-C-T.
Other names: c.1769G>A, p.Gly590Glu (NM_001042385.2); c.1757G>A, p.Gly586Glu (NM_001042386.2); c.1955G>A, p.Gly652Glu (NM_001171603.1, NM_001171606.2, NM_001374275.1 and 2 more transcripts); c.1688G>A, p.Gly563Glu (NM_001171617.1, NM_001374277.1); short protein forms G590E, G563E, G586E, G652E.
Identifiers: ClinVar variation 2063608 (VCV002063608.2), dbSNP rs369061543, ClinGen allele CA46525363.
Genomic context (GRCh38, chr2:44,322,796, plus strand): 5'-CCTGTGTCCTTAGCATGCTCCGCGATGGCTTCCTTGAGTTTCTCAGTATAACTTACAATT[C>T]CTTTCAGAGGTACCCGTTCATCGTTTTCATATGCCGTTATGTGAATTGAAGGATAATGCT-3'
Protein context (NP_001165084.1, residues 553-573): YENDERVPLK[Gly563Glu]IVSYTEKLKE